The following is an entry in ClinVar:

ClinVar aggregate classification (germline): Uncertain significance (1 of 4 stars; one submission).

Conditions:
Neuronal ceroid lipofuscinosis. Also called: Neuronal Ceroid Lipofuscinoses. Identifiers: Orphanet 216, Orphanet 79263, MedGen C0027877, MONDO:0016295. Disease mechanism: loss of function.

Submission:

Labcorp Genetics (formerly Invitae), Labcorp
Classification: Uncertain significance for Neuronal ceroid lipofuscinosis. Last evaluated: 2022-07-07. Review status: criteria provided, single submitter. Criteria: Invitae Variant Classification Sherloc (09022015). Collection method: clinical testing. Allele origin: germline.
Comment: In summary, the available evidence is currently insufficient to determine the role of this variant in disease. Therefore, it has been classified as a Variant of Uncertain Significance. This variant has not been reported in the literature in individuals affected with DNAJC5-related conditions. This variant results in the deletion of part of exon 2 (c.-12+15599_17del) which includes the initiator methionine of the DNAJC5 mRNA. There are no downstream in-frame methionine residues, therefore it is expected to result in an absent or disrupted protein product. However, the current clinical and genetic evidence is not sufficient to establish whether loss-of-function variants in DNAJC5 cause disease.

NC_000020.10:g.(?_62542275)_(62559715_?)del

Gene: DNAJC5 (DnaJ heat shock protein family (Hsp40) member C5; plus strand). Cytogenetic location: 20q13.33.
Variant type: Deletion.
Identifiers: ClinVar variation 2426932 (VCV002426932.4).